The following is an entry in ClinVar:

NM_001447.3(FAT2):c.2968G>A (p.Glu990Lys)

Gene: FAT2 (FAT atypical cadherin 2; minus strand). Cytogenetic location: 5q33.1.
Variant type: single nucleotide variant.
Coding change: c.2968G>A on transcript NM_001447.3 (MANE Select); coding-DNA position 2968, G replaced by A.
Protein change: p.Glu990Lys; replaces glutamic acid 990 with lysine.
Molecular consequence: missense variant.
Genome position (GRCh38, 1-based): chr5:151,565,964, C>T on the plus strand (G>A on the coding strand, the complement: FAT2 is on the minus strand). VCF-style: chr5-151565964-C-T. GRCh37 (hg19) VCF-style: chr5-150945525-C-T.
Other names: short protein forms E990K.
Identifiers: ClinVar variation 2056570 (VCV002056570.4), dbSNP rs1409172863, ClinGen allele CA361850921.

ClinVar aggregate classification (germline): Uncertain significance (1 of 4 stars; one submission).

Allele frequency attached by ClinVar (database versions not stated): gnomAD exomes below 0.00001; TOPMed below 0.00001.

Submission:

Labcorp Genetics (formerly Invitae), Labcorp
Classification: Uncertain significance. Last evaluated: 2022-07-20. Review status: criteria provided, single submitter. Criteria: Invitae Variant Classification Sherloc (09022015). Collection method: clinical testing. Allele origin: germline.
Comment: In summary, the available evidence is currently insufficient to determine the role of this variant in disease. Therefore, it has been classified as a Variant of Uncertain Significance. Algorithms developed to predict the effect of missense changes on protein structure and function (SIFT, PolyPhen-2, Align-GVGD) all suggest that this variant is likely to be disruptive. This variant has not been reported in the literature in individuals affected with FAT2-related conditions. This variant is present in population databases (no rsID available, gnomAD 0.003%). This sequence change replaces glutamic acid, which is acidic and polar, with lysine, which is basic and polar, at codon 990 of the FAT2 protein (p.Glu990Lys).